The following is an entry in ClinVar:

NM_052947.4(ALPK2):c.3582C>T (p.Ser1194=)

Gene: ALPK2 (alpha kinase 2; minus strand). Cytogenetic location: 18q21.31.
Variant type: single nucleotide variant.
Coding change: c.3582C>T on transcript NM_052947.4 (MANE Select); coding-DNA position 3582, C replaced by T.
Protein change: p.Ser1194=; no amino-acid change (serine 1194 retained).
Molecular consequence: synonymous variant.
Genome position (GRCh38, 1-based): chr18:58,536,605, G>A on the plus strand (C>T on the coding strand, the complement: ALPK2 is on the minus strand). VCF-style: chr18-58536605-G-A. GRCh37 (hg19) VCF-style: chr18-56203837-G-A.
Identifiers: ClinVar variation 3056440 (VCV003056440.2), dbSNP rs17065139, ClinGen allele CA8976864.

ClinVar aggregate classification (germline): Benign (0 of 4 stars; one submission).

Conditions:
ALPK2-related disorder. Also called: ALPK2-related condition.

Allele frequency attached by ClinVar (database versions not stated): gnomAD exomes 0.02298; ExAC 0.02890; gnomAD 0.04434; ESP Exome Variant Server 0.04875; TOPMed 0.04904; 1000 Genomes Project 0.05531; 1000 Genomes Project 30x 0.05840.
gnomAD v4.1: 40,593 of 1,614,038 alleles (2.5%); highest among the groups gnomAD compares: African/African-American, 11%; 862 homozygotes.

Submission:

PreventionGenetics, part of Exact Sciences
Classification: Benign for ALPK2-related condition. Last evaluated: 2019-08-12. Review status: no assertion criteria provided. Collection method: clinical testing. Allele origin: germline.
Comment: This variant is classified as benign based on ACMG/AMP sequence variant interpretation guidelines (Richards et al. 2015 PMID: 25741868, with internal and published modifications).